The following is an entry in ClinVar:

ClinVar aggregate classification (germline): Uncertain significance (1 of 4 stars; one submission).

Conditions:
KCTD18-related disorder. Also called: KCTD18-related condition.

Submission:

PreventionGenetics, part of Exact Sciences
Classification: Uncertain significance for KCTD18-related condition. Last evaluated: 2023-05-22. Review status: criteria provided, single submitter. Criteria: ACMG Guidelines, 2015. Collection method: clinical testing. Allele origin: germline.
Comment: The KCTD18 c.1208T>G variant is predicted to result in the amino acid substitution p.Leu403Arg. To our knowledge, this variant has not been reported in the literature or in a large population database, indicating this variant is rare. At this time, the clinical significance of this variant is uncertain due to the absence of conclusive functional and genetic evidence.

NM_152387.4(KCTD18):c.1208T>G (p.Leu403Arg)

Gene: KCTD18 (potassium channel tetramerization domain containing 18; minus strand). Cytogenetic location: 2q33.1.
Variant type: single nucleotide variant.
Coding change: c.1208T>G on transcript NM_152387.4 (MANE Select); coding-DNA position 1208, T replaced by G.
Protein change: p.Leu403Arg; replaces leucine 403 with arginine.
Molecular consequence: missense variant.
Genome position (GRCh38, 1-based): chr2:200,490,173, A>C on the plus strand (T>G on the coding strand, the complement: KCTD18 is on the minus strand). VCF-style: chr2-200490173-A-C. GRCh37 (hg19) VCF-style: chr2-201354896-A-C.
Other names: c.1208T>G, p.Leu403Arg (NM_001321547.2); c.581T>G, p.Leu194Arg (NM_001321548.2, NM_001321550.2); short protein forms L194R, L403R.
Identifiers: ClinVar variation 2632761 (VCV002632761.1), dbSNP rs2469838873, ClinGen allele CA350240987.